The following is an entry in ClinVar:

NM_014140.4(SMARCAL1):c.1334+1G>A

Gene: SMARCAL1 (SNF2 related chromatin remodeling annealing helicase 1; plus strand). Cytogenetic location: 2q35.
Variant type: single nucleotide variant.
Coding change: c.1334+1G>A on transcript NM_014140.4 (MANE Select); the canonical splice donor site of the intron after coding-DNA position 1334, G replaced by A.
Molecular consequence: splice donor variant.
Genome position (GRCh38, 1-based): chr2:216,428,783, G>A. VCF-style: chr2-216428783-G-A. GRCh37 (hg19) VCF-style: chr2-217293506-G-A.
Other names: c.1334+1G>A (NM_014140.3, NM_001127207.2).
Identifiers: ClinVar variation 2734387 (VCV002734387.5), dbSNP rs1384402545, ClinGen allele CA350499955.

ClinVar aggregate classification (germline): Pathogenic/Likely pathogenic. Review status: criteria provided, multiple submitters, no conflicts (2 of 4 stars). 2 submissions from 2 submitters: Pathogenic (1); Likely pathogenic (1). Last evaluated 2025-07-22.

Conditions:
Schimke immuno-osseous dysplasia (SIOD). Also called: Schimke Immunoosseous Dysplasia. Identifiers: Orphanet 1830, MedGen C0877024, MONDO:0009458, OMIM 242900.

Allele frequency attached by ClinVar (database versions not stated): gnomAD exomes below 0.00001; TOPMed 0.00001.
gnomAD v4.1: 2 of 1,613,818 alleles (0.00012%); highest among the groups gnomAD compares: East Asian, 0.0022%; no homozygotes.

Submissions (2):

Natera, Inc.
Classification: Pathogenic for Schimke immuno-osseous dysplasia. Last evaluated: 2025-07-22. Review status: criteria provided, single submitter. Criteria: Natera Variant Classification Schema (03/2026). Collection method: clinical testing. Allele origin: germline.
Comment: The c.1334+1G>A variant in SMARCAL1 is a canonical splice donor site variant predicted to affect pre-mRNA splicing, which may result in an abnormal transcript and altered protein product. This variant is expected to result in nonsense mediated decay, truncation, or a dysfunctional protein product. This variant is rare in the general population with a frequency below the threshold expected for the associated phenotype(s). This variant has been observed in one or more individuals affected with the associated recessive disease, as either homozygous or compound heterozygous with a second variant (PMID: 36685964). Given the available evidence, this variant is classified as Pathogenic.

Labcorp Genetics (formerly Invitae), Labcorp
Classification: Likely pathogenic for Schimke immuno-osseous dysplasia. Last evaluated: 2023-09-08. Review status: criteria provided, single submitter. Criteria: Invitae Variant Classification Sherloc (09022015). Collection method: clinical testing. Allele origin: germline.
Comment: This variant is not present in population databases (gnomAD no frequency). This sequence change affects a donor splice site in intron 7 of the SMARCAL1 gene. It is expected to disrupt RNA splicing. Variants that disrupt the donor or acceptor splice site typically lead to a loss of protein function (PMID: 16199547), and loss-of-function variants in SMARCAL1 are known to be pathogenic (PMID: 11799392, 20301550). Disruption of this splice site has been observed in individual(s) with Schimke immunoosseous dysplasia (PMID: 25748404). In summary, the currently available evidence indicates that the variant is pathogenic, but additional data are needed to prove that conclusively. Therefore, this variant has been classified as Likely Pathogenic. Algorithms developed to predict the effect of sequence changes on RNA splicing suggest that this variant may disrupt the consensus splice site.

Literature cited by the submitters: PubMed 36685964 (cited by Natera, Inc.); PubMed 16199547 (cited by Labcorp Genetics (formerly Invitae), Labcorp); PubMed 11799392 (cited by Labcorp Genetics (formerly Invitae), Labcorp); PubMed 20301550 (cited by Labcorp Genetics (formerly Invitae), Labcorp); PubMed 25748404 (cited by Labcorp Genetics (formerly Invitae), Labcorp).